The following is an entry in ClinVar:

NM_003737.4(DCHS1):c.8482C>T (p.Arg2828Cys)

Gene: DCHS1 (dachsous cadherin-related 1; minus strand). Cytogenetic location: 11p15.4.
Variant type: single nucleotide variant.
Coding change: c.8482C>T on transcript NM_003737.4 (MANE Select); coding-DNA position 8482, C replaced by T.
Protein change: p.Arg2828Cys; replaces arginine 2828 with cysteine.
Molecular consequence: missense variant.
Genome position (GRCh38, 1-based): chr11:6,623,194, G>A on the plus strand (C>T on the coding strand, the complement: DCHS1 is on the minus strand). VCF-style: chr11-6623194-G-A. GRCh37 (hg19) VCF-style: chr11-6644425-G-A.
Other names: short protein forms R2828C.
Identifiers: ClinVar variation 1491075 (VCV001491075.9), dbSNP rs778237141, ClinGen allele CA5859407.
Genomic context (GRCh38, chr11:6,623,194, plus strand): 5'-CCAGGCCATCGGCACCCCCATCCTCATCTGTGGCCTGCACGTGACCCAAGCTGTGGCCAC[G>A]CCGGGCACCTTCGGGCACTTGGAAGTGGAAAGCTGGTGCCAGAAATACAGGGTCATACTC-3'
Protein context (NP_003728.1, residues 2818-2838): FHFQVPEGAR[Arg2828Cys]GHSLGHVQAT

ClinVar aggregate classification (germline): Uncertain significance. Review status: criteria provided, multiple submitters, no conflicts (2 of 4 stars). 2 submissions from 2 submitters: Uncertain significance (2). Last evaluated 2025-03-09.

Conditions:
Van Maldergem syndrome 1 (VMLDS1). Also called: Van Maldergem syndrome 1 (VMLDS1). Identifiers: Orphanet 314679, MedGen C4551950, MONDO:0011070, OMIM 601390.

Allele frequency attached by ClinVar (database versions not stated): ExAC 0.00001; gnomAD 0.00001 and 0.00002; gnomAD exomes 0.00002; TOPMed 0.00003.
gnomAD v4.1: 26 of 1,604,780 alleles (0.0016%); highest among the groups gnomAD compares: Non-Finnish European, 0.002%; no homozygotes.

Submissions (2):

Labcorp Genetics (formerly Invitae), Labcorp
Classification: Uncertain significance. Last evaluated: 2025-03-09. Review status: criteria provided, single submitter. Criteria: Invitae Variant Classification Sherloc (09022015). Collection method: clinical testing. Allele origin: germline.
Comment: This sequence change replaces arginine, which is basic and polar, with cysteine, which is neutral and slightly polar, at codon 2828 of the DCHS1 protein (p.Arg2828Cys). The frequency data for this variant in the population databases is considered unreliable, as metrics indicate poor data quality at this position in the gnomAD database. This variant has not been reported in the literature in individuals affected with DCHS1-related conditions. ClinVar contains an entry for this variant (Variation ID: 1491075). Invitae Evidence Modeling of protein sequence and biophysical properties (such as structural, functional, and spatial information, amino acid conservation, physicochemical variation, residue mobility, and thermodynamic stability) indicates that this missense variant is not expected to disrupt DCHS1 protein function with a negative predictive value of 80%. In summary, the available evidence is currently insufficient to determine the role of this variant in disease. Therefore, it has been classified as a Variant of Uncertain Significance.

Clinical Genomics Laboratory, Washington University in St. Louis
Classification: Uncertain significance for Van Maldergem syndrome 1. Last evaluated: 2024-12-26. Review status: criteria provided, single submitter. Criteria: ACMG Guidelines, 2015. Collection method: clinical testing. Allele origin: germline.
Comment: A DCHS1 c.8482C>T (p.Arg2828Cys) variant was identified at a heterozygous allelic fraction of 50.4%, a frequency which may be consistent with germline origin. This variant, to our knowledge, has not been reported in the medical literature. It has been reported in the ClinVar database as a germline variant of uncertain significance by one submitter (ClinVar variation ID: 1491075). The DCHS1 c.8482C>T (p.Arg2828Cys) variant is only observed on 26/1,604,780 alleles in the general population (gnomAD v.4.1.0), indicating it is not a common variant. Computational predictors are uncertain as to the impact of this variant on DCHS1 function. Due to limited information, and based on ACMG/AMP guidelines for variant interpretation (Richards S et al., PMID: 25741868), the clinical significance of this variant is uncertain at this time.